The following is an entry in ClinVar:

ClinVar aggregate classification (germline): Uncertain significance. Review status: criteria provided, multiple submitters, no conflicts (2 of 4 stars). 2 submissions from 2 submitters: Uncertain significance (2). Last evaluated 2026-03-11.

Conditions:
CACNA1I-related disorder. Also called: CACNA1I-related condition.

Allele frequency attached by ClinVar (database versions not stated): TOPMed below 0.00001.
gnomAD v4.1: 1 of 1,555,002 alleles (0.000064%); highest among the groups gnomAD compares: Non-Finnish European, 0.000087%; no homozygotes.

Submissions (2):

PreventionGenetics, part of Exact Sciences
Classification: Uncertain significance for CACNA1I-related condition. Last evaluated: 2026-03-11. Review status: criteria provided, single submitter. Criteria: ACMG Guidelines, 2015. Collection method: clinical testing. Allele origin: germline.
Comment: The CACNA1I c.2996C>T variant is predicted to result in the amino acid substitution p.Pro999Leu. To our knowledge, this variant has not been reported in the literature or in a large population database (gnomAD), indicating this variant is rare. At this time, the clinical significance of this variant is uncertain due to the absence of conclusive functional and genetic evidence.

Ambry Genetics
Classification: Uncertain significance. Last evaluated: 2022-11-10. Review status: criteria provided, single submitter. Criteria: Ambry Variant Classification Scheme 2023. Collection method: clinical testing. Allele origin: germline.

NM_021096.4(CACNA1I):c.2996C>T (p.Pro999Leu)

Gene: CACNA1I (calcium voltage-gated channel subunit alpha1 I; plus strand). Cytogenetic location: 22q13.1.
Variant type: single nucleotide variant.
Coding change: c.2996C>T on transcript NM_021096.4 (MANE Select); coding-DNA position 2996, C replaced by T.
Protein change: p.Pro999Leu; replaces proline 999 with leucine.
Molecular consequence: missense variant.
Genome position (GRCh38, 1-based): chr22:39,662,059, C>T. VCF-style: chr22-39662059-C-T. GRCh37 (hg19) VCF-style: chr22-40058064-C-T.
Other names: c.2891C>T, p.Pro964Leu (NM_001003406.2); short protein forms P999L, P964L.
Identifiers: ClinVar variation 2393358 (VCV002393358.3), dbSNP rs751108102, ClinGen allele CA324468671.